The following is an entry in ClinVar:

NM_001370259.2(MEN1):c.1651C>T (p.Leu551Phe)

Gene: MEN1 (menin 1; minus strand). Cytogenetic location: 11q13.1.
Variant type: single nucleotide variant.
Coding change: c.1651C>T on transcript NM_001370259.2 (MANE Select); coding-DNA position 1651, C replaced by T.
Protein change: p.Leu551Phe; replaces leucine 551 with phenylalanine.
Molecular consequence: missense variant.
Genome position (GRCh38, 1-based): chr11:64,804,516, G>A on the plus strand (C>T on the coding strand, the complement: MEN1 is on the minus strand). VCF-style: chr11-64804516-G-A. GRCh37 (hg19) VCF-style: chr11-64571988-G-A.
Other names: c.1666C>T, p.Leu556Phe (NM_130800.3, NM_130801.3, NM_130802.3 and 3 more transcripts); c.1777C>T, p.Leu593Phe (NM_001370251.2); c.1651C>T, p.Leu551Phe (NM_001370260.2, NM_001370261.2, NM_130799.3); c.1546C>T, p.Leu516Phe (NM_001370262.2, NM_001370263.2); short protein forms L556F, L593F, L516F, L551F.
Identifiers: ClinVar variation 970852 (VCV000970852.12), dbSNP rs990141724, ClinGen allele CA223911777.
Genomic context (GRCh38, chr11:64,804,516, plus strand): 5'-TGATCTTGGTGGCCACCAGCAGCTCCTTCATGCCCTTCATCTTCTCACTCTGGAAAGTGA[G>A]CACTGGACCCTCCGGCGGTGGTGATGCTGTGGGTGCTGGCACCTGAGCCGTGCTGCCACC-3'
Protein context (NP_001357188.2, residues 541-561): TASPPPEGPV[Leu551Phe]TFQSEKMKGM

ClinVar aggregate classification (germline): Uncertain significance. Review status: criteria provided, multiple submitters, no conflicts (2 of 4 stars). 3 submissions from 3 submitters: Uncertain significance (3). Last evaluated 2024-04-11.

Conditions:
Multiple endocrine neoplasia, type 1 (MEN1). Also called: MEA I; MEN I; WERMER SYNDROME; Endocrine adenomatosis multiple; MEN 1. Identifiers: Orphanet 652, MedGen C0025267, MeSH D018761, MONDO:0007540, OMIM 131100.
Hereditary cancer-predisposing syndrome. Also called: Hereditary neoplastic syndrome; Hereditary Cancer Syndrome; Tumor predisposition; Neoplastic Syndromes, Hereditary. Identifiers: Orphanet 140162, MedGen C0027672, MeSH D009386, MONDO:0015356.

Allele frequency attached by ClinVar (database versions not stated): gnomAD exomes below 0.00001.
gnomAD v4.1: 1 of 1,614,092 alleles (0.000062%); highest among the groups gnomAD compares: Non-Finnish European, 0.000085%; no homozygotes.

Submissions (3):

Ambry Genetics
Classification: Uncertain significance for Hereditary cancer-predisposing syndrome. Last evaluated: 2024-04-11. Review status: criteria provided, single submitter. Criteria: Ambry Variant Classification Scheme 2023. Collection method: clinical testing. Allele origin: germline.
Comment: The p.L551F variant (also known as c.1651C>T), located in coding exon 9 of the MEN1 gene, results from a C to T substitution at nucleotide position 1651. The leucine at codon 551 is replaced by phenylalanine, an amino acid with highly similar properties. This amino acid position is conserved. In addition, the in silico prediction for this alteration is inconclusive. Based on the available evidence, the clinical significance of this variant remains unclear.

Fulgent Genetics
Classification: Uncertain significance for Multiple endocrine neoplasia, type 1. Last evaluated: 2024-01-23. Review status: criteria provided, single submitter. Criteria: ACMG Guidelines, 2015. Collection method: clinical testing. Allele origin: germline.

Labcorp Genetics (formerly Invitae), Labcorp
Classification: Uncertain significance for Multiple endocrine neoplasia, type 1. Last evaluated: 2022-08-12. Review status: criteria provided, single submitter. Criteria: Invitae Variant Classification Sherloc (09022015). Collection method: clinical testing. Allele origin: germline.
Comment: This variant has not been reported in the literature in individuals affected with MEN1-related conditions. In summary, the available evidence is currently insufficient to determine the role of this variant in disease. Therefore, it has been classified as a Variant of Uncertain Significance. Algorithms developed to predict the effect of missense changes on protein structure and function (SIFT, PolyPhen-2, Align-GVGD) all suggest that this variant is likely to be tolerated. ClinVar contains an entry for this variant (Variation ID: 970852). This variant is not present in population databases (gnomAD no frequency). This sequence change replaces leucine, which is neutral and non-polar, with phenylalanine, which is neutral and non-polar, at codon 551 of the MEN1 protein (p.Leu551Phe).